The following is an entry in ClinVar:

NM_198586.3(NHLRC1):c.462dup (p.Asp155Ter)

Gene: NHLRC1 (NHL repeat containing E3 ubiquitin protein ligase 1; minus strand). Cytogenetic location: 6p22.3.
Variant type: Duplication.
Coding change: c.462dup on transcript NM_198586.3 (MANE Select); coding-DNA position 462, one base duplicated (T; older notation c.462dupT).
Protein change: p.Asp155Ter; replaces aspartic acid 155 with a stop codon.
Molecular consequence: nonsense.
Genome position (GRCh38, 1-based): chr6:18,122,145, A duplicated on the plus strand (T on the coding strand, the reverse complement: NHLRC1 is on the minus strand); the first of 5 consecutive A bases (chr6:18,122,145-18,122,149); duplicating any one gives the same sequence. VCF-style (leftmost placement, unchanged base first): chr6-18122144-C-CA. GRCh37 (hg19) VCF-style: chr6-18122375-C-CA.
Other names: short protein forms D155*.
Identifiers: ClinVar variation 663551 (VCV000663551.11), dbSNP rs1157872508, ClinGen allele CA915944158.
Genomic context (GRCh38, chr6:18,122,144, plus strand): 5'-TAATGTCTTGGGCAGCGTCCCCCTTCTCTCCAAACTGATGCGCGCATCCTCCCCCTGAGT[C>CA]AAAAATCTTGACACGCCTCCTGCCGTCGTGCACCACCACGACACGCCCCGTCTTGGGACA-3'

ClinVar aggregate classification (germline): Pathogenic (1 of 4 stars; one submission).

Conditions:
Lafora disease. Also called: Epilepsy progressive myoclonic 2; Progressive Myoclonus Epilepsy, Lafora Type. Identifiers: Orphanet 501, MedGen C0751783, MONDO:0009697.

Submission:

Labcorp Genetics (formerly Invitae), Labcorp
Classification: Pathogenic for Lafora disease. Last evaluated: 2024-02-23. Review status: criteria provided, single submitter. Criteria: Invitae Variant Classification Sherloc (09022015). Collection method: clinical testing. Allele origin: germline.
Comment: This sequence change creates a premature translational stop signal (p.Asp155*) in the NHLRC1 gene. While this is not anticipated to result in nonsense mediated decay, it is expected to disrupt the last 241 amino acid(s) of the NHLRC1 protein. This variant is not present in population databases (gnomAD no frequency). This premature translational stop signal has been observed in individual(s) with progressive myoclonus epilepsy (Invitae). ClinVar contains an entry for this variant (Variation ID: 663551). This variant disrupts a region of the NHLRC1 protein in which other variant(s) (p.Gly158Argfs*17) have been determined to be pathogenic (PMID: 12958597, 18263761, 18311786, 20738377, 28556688). This suggests that this is a clinically significant region of the protein, and that variants that disrupt it are likely to be disease-causing. For these reasons, this variant has been classified as Pathogenic.

Literature cited by the submitters: PubMed 12958597; PubMed 18263761; PubMed 18311786; PubMed 20738377; PubMed 28556688.